The following is an entry in ClinVar:

NM_003839.4(TNFRSF11A):c.61C>G (p.Leu21Val)

Gene: TNFRSF11A (TNF receptor superfamily member 11a; plus strand). Cytogenetic location: 18q21.33.
Variant type: single nucleotide variant.
Coding change: c.61C>G on transcript NM_003839.4 (MANE Select); coding-DNA position 61, C replaced by G.
Protein change: p.Leu21Val; replaces leucine 21 with valine.
Molecular consequence: missense variant.
Genome position (GRCh38, 1-based): chr18:62,325,413, C>G. VCF-style: chr18-62325413-C-G. GRCh37 (hg19) VCF-style: chr18-59992646-C-G.
Other names: c.61C>G, p.Leu21Val (NM_001270949.2, NM_001270950.2, NM_001270951.2 and 1 more transcripts); short protein forms L21V.
Identifiers: ClinVar variation 2969805 (VCV002969805.3), dbSNP rs2046057171, ClinGen allele CA402618760.

ClinVar aggregate classification (germline): Uncertain significance (1 of 4 stars; one submission).

gnomAD v4.1: 1 of 1,256,972 alleles (0.00008%); highest among the groups gnomAD compares: African/African-American, 0.0016%; no homozygotes.

Submission:

Labcorp Genetics (formerly Invitae), Labcorp
Classification: Uncertain significance. Last evaluated: 2023-12-06. Review status: criteria provided, single submitter. Criteria: Invitae Variant Classification Sherloc (09022015). Collection method: clinical testing. Allele origin: germline.
Comment: This sequence change replaces leucine, which is neutral and non-polar, with valine, which is neutral and non-polar, at codon 21 of the TNFRSF11A protein (p.Leu21Val). This variant is not present in population databases (gnomAD no frequency). This variant has not been reported in the literature in individuals affected with TNFRSF11A-related conditions. Experimental studies and prediction algorithms are not available or were not evaluated, and the functional significance of this variant is currently unknown. In summary, the available evidence is currently insufficient to determine the role of this variant in disease. Therefore, it has been classified as a Variant of Uncertain Significance.